The following is an entry in ClinVar:

ClinVar aggregate classification (germline): Likely benign (0 of 4 stars; one submission).

Conditions:
PLTP-related disorder. Also called: PLTP-related condition.

Allele frequency attached by ClinVar (database versions not stated): ExAC 0.00002; gnomAD exomes 0.00002; gnomAD 0.00006; 1000 Genomes Project 30x 0.00016; TOPMed 0.00018; 1000 Genomes Project 0.00020.

Submission:

PreventionGenetics, part of Exact Sciences
Classification: Likely benign for PLTP-related condition. Last evaluated: 2019-11-21. Review status: no assertion criteria provided. Collection method: clinical testing. Allele origin: germline.
Comment: This variant is classified as likely benign based on ACMG/AMP sequence variant interpretation guidelines (Richards et al. 2015 PMID: 25741868, with internal and published modifications).

NM_006227.4(PLTP):c.132A>G (p.Gln44=)

Gene: PLTP (phospholipid transfer protein; minus strand). Cytogenetic location: 20q13.12.
Variant type: single nucleotide variant.
Coding change: c.132A>G on transcript NM_006227.4 (MANE Select); coding-DNA position 132, A replaced by G.
Protein change: p.Gln44=; no amino-acid change (glutamine 44 retained).
Molecular consequence: synonymous variant.
Genome position (GRCh38, 1-based): chr20:45,911,220, T>C on the plus strand (A>G on the coding strand, the complement: PLTP is on the minus strand). VCF-style: chr20-45911220-T-C. GRCh37 (hg19) VCF-style: chr20-44539859-T-C.
Other names: c.132A>G, p.Gln44= (NM_001242920.2, NM_182676.3).
Identifiers: ClinVar variation 3048370 (VCV003048370.2), dbSNP rs571253767, ClinGen allele CA9884002.